The following is an entry in ClinVar:

ClinVar aggregate classification (germline): Uncertain significance (1 of 4 stars; one submission).

Conditions:
Hereditary pheochromocytoma and paraganglioma. Also called: Hereditary paragangliomas and pheochromocytomas; Hereditary Paraganglioma-Pheochromocytoma Syndromes; Hereditary pheochromocytoma-paraganglioma. Identifiers: Orphanet 29072, MedGen C4274332, MONDO:0017366.

Allele frequency attached by ClinVar (database versions not stated): gnomAD exomes below 0.00001.
gnomAD v4.1: 3 of 1,614,034 alleles (0.00019%); highest among the groups gnomAD compares: Non-Finnish European, 0.00025%; no homozygotes.

Submission:

Labcorp Genetics (formerly Invitae), Labcorp
Classification: Uncertain significance for Hereditary pheochromocytoma and paraganglioma. Last evaluated: 2021-04-28. Review status: criteria provided, single submitter. Criteria: Invitae Variant Classification Sherloc (09022015). Collection method: clinical testing. Allele origin: germline.
Comment: Algorithms developed to predict the effect of missense changes on protein structure and function (SIFT, PolyPhen-2, Align-GVGD) all suggest that this variant is likely to be disruptive, but these predictions have not been confirmed by published functional studies and their clinical significance is uncertain. In summary, the available evidence is currently insufficient to determine the role of this variant in disease. Therefore, it has been classified as a Variant of Uncertain Significance. This variant has not been reported in the literature in individuals with TMEM127-related conditions. This variant is not present in population databases (ExAC no frequency). This sequence change replaces leucine with arginine at codon 108 of the TMEM127 protein (p.Leu108Arg). The leucine residue is highly conserved and there is a moderate physicochemical difference between leucine and arginine.

NM_017849.4(TMEM127):c.323T>G (p.Leu108Arg)

Gene: TMEM127 (transmembrane protein 127; minus strand). Cytogenetic location: 2q11.2.
Variant type: single nucleotide variant.
Coding change: c.323T>G on transcript NM_017849.4 (MANE Select); coding-DNA position 323, T replaced by G.
Protein change: p.Leu108Arg; replaces leucine 108 with arginine.
Molecular consequence: missense variant.
Genome position (GRCh38, 1-based): chr2:96,254,919, A>C on the plus strand (T>G on the coding strand, the complement: TMEM127 is on the minus strand). VCF-style: chr2-96254919-A-C. GRCh37 (hg19) VCF-style: chr2-96920657-A-C.
Other names: c.323T>G, p.Leu108Arg (NM_001193304.3); short protein forms L108R.
Identifiers: ClinVar variation 1349755 (VCV001349755.8), dbSNP rs1553437004, ClinGen allele CA347653447.